The following is an entry in ClinVar:

ClinVar aggregate classification (germline): Uncertain significance (1 of 4 stars; one submission).

Conditions:
Aortic valve disease 2 (AOVD2). Identifiers: MedGen C3542024, MONDO:0013902, OMIM 614823.

Allele frequency attached by ClinVar (database versions not stated): gnomAD exomes below 0.00001.
gnomAD v4.1: 2 of 1,598,580 alleles (0.00013%); highest among the groups gnomAD compares: Non-Finnish European, 0.00017%; no homozygotes.

Submission:

Labcorp Genetics (formerly Invitae), Labcorp
Classification: Uncertain significance for Aortic valve disease 2. Last evaluated: 2025-12-18. Review status: criteria provided, single submitter. Criteria: Invitae Variant Classification Sherloc (09022015). Collection method: clinical testing. Allele origin: germline.
Comment: This sequence change creates a premature translational stop signal (p.Gln479*) in the SMAD6 gene. While this is not anticipated to result in nonsense mediated decay, it is expected to disrupt the last 18 amino acid(s) of the SMAD6 protein. This variant is not present in population databases (gnomAD no frequency). This variant has not been reported in the literature in individuals affected with SMAD6-related conditions. ClinVar contains an entry for this variant (Variation ID: 2163458). Experimental studies and prediction algorithms are not available or were not evaluated, and the functional significance of this variant is currently unknown. In summary, the available evidence is currently insufficient to determine the role of this variant in disease. Therefore, it has been classified as a Variant of Uncertain Significance.

NM_005585.5(SMAD6):c.1435C>T (p.Gln479Ter)

Gene: SMAD6 (SMAD family member 6; plus strand). Cytogenetic location: 15q22.31.
Variant type: single nucleotide variant.
Coding change: c.1435C>T on transcript NM_005585.5 (MANE Select); coding-DNA position 1435, C replaced by T.
Protein change: p.Gln479Ter; replaces glutamine 479 with a stop codon.
Molecular consequence: nonsense. On other transcripts: non-coding transcript variant (1).
Genome position (GRCh38, 1-based): chr15:66,781,479, C>T. VCF-style: chr15-66781479-C-T. GRCh37 (hg19) VCF-style: chr15-67073817-C-T.
Other names: short protein forms Q479*.
Identifiers: ClinVar variation 2163458 (VCV002163458.4), dbSNP rs61735523, ClinGen allele CA393202529.
Genomic context (GRCh38, chr15:66,781,479, plus strand): 5'-TACGACCCCAACAGCGTCCGCATCAGCTTCGCCAAGGGCTGGGGGCCCTGCTACTCCCGG[C>T]AGTTCATCACCTCCTGCCCCTGCTGGCTGGAGATCCTCCTCAACAACCCCAGATAGTGGC-3'